The following is an entry in ClinVar:

NM_001369.3(DNAH5):c.8972_8973insTTGGAGA (p.Met2992fs)

Gene: DNAH5 (dynein axonemal heavy chain 5; minus strand). Cytogenetic location: 5p15.2.
Variant type: Insertion.
Coding change: c.8972_8973insTTGGAGA on transcript NM_001369.3 (MANE Select); coding-DNA positions 8972 to 8973, TTGGAGA inserted.
Protein change: p.Met2992fs; shifts the reading frame from methionine 2992.
Molecular consequence: frameshift variant.
Genome position: GRCh38 VCF-style: chr5-13777334-C-CTCTCCAA. GRCh37 (hg19) VCF-style: chr5-13777443-C-CTCTCCAA.
Other names: short protein forms M2992fs.
Identifiers: ClinVar variation 5011012 (VCV005011012.1).

ClinVar aggregate classification (germline): Pathogenic (1 of 4 stars; one submission).

Conditions:
Primary ciliary dyskinesia 3. Identifiers: Orphanet 244, MedGen C1837618, MONDO:0012085, OMIM 608644.

Submission:

Myriad Genetics, Inc.
Classification: Pathogenic for Primary ciliary dyskinesia 3. Last evaluated: 2024-05-14. Review status: criteria provided, single submitter. Criteria: Myriad Autosomal Dominant, Autosomal Recessive and X-Linked Classification Criteria (2023). Collection method: clinical testing. Allele origin: unknown.
Comment: NM_001369.2(DNAH5):c.8972_8973ins7(M2992Wfs*28) is expected to be pathogenic in the context of primary ciliary dyskinesia, DNAH5-related. This variant is predicted to lead to an abnormal or absent protein product due to the creation of a premature termination codon in DNAH5, a gene where loss-of-function variants are known to be pathogenic. Please note: this variant was assessed in the context of healthy population screening.